The following is an entry in ClinVar:

NM_001276270.2(MBD4):c.99C>A (p.Asp33Glu)

Gene: MBD4 (methyl-CpG binding domain 4, DNA glycosylase; minus strand). Cytogenetic location: 3q21.3.
Variant type: single nucleotide variant.
Coding change: c.99C>A on transcript NM_001276270.2 (MANE Select); coding-DNA position 99, C replaced by A.
Protein change: p.Asp33Glu; replaces aspartic acid 33 with glutamic acid.
Molecular consequence: missense variant.
Genome position (GRCh38, 1-based): chr3:129,439,735, G>T on the plus strand (C>A on the coding strand, the complement: MBD4 is on the minus strand). VCF-style: chr3-129439735-G-T. GRCh37 (hg19) VCF-style: chr3-129158578-G-T.
Other names: c.99C>A, p.Asp33Glu (NM_001276271.2, NM_001276272.2, NM_001276273.2 and 1 more transcripts); c.99C>A (NM_003925.2); short protein forms D33E.
Identifiers: ClinVar variation 2753201 (VCV002753201.8), dbSNP rs751290587, ClinGen allele CA2605623.

ClinVar aggregate classification (germline): Conflicting classifications of pathogenicity. Review status: criteria provided, conflicting classifications (1 of 4 stars). 3 submissions from 3 submitters: Uncertain significance (2); Likely benign (1). Last evaluated 2026-06-25.

Conditions:
MBD4-related disorder. Also called: MBD4-related condition.
Inborn genetic diseases. Identifiers: MedGen C0950123, MeSH D030342.

Allele frequency attached by ClinVar (database versions not stated): ExAC 0.00003; gnomAD 0.00006.
gnomAD v4.1: 17 of 1,582,274 alleles (0.0011%); highest among the groups gnomAD compares: Admixed American, 0.016%; no homozygotes.

Submissions (3):

PreventionGenetics, part of Exact Sciences
Classification: Uncertain significance for MBD4-related condition. Last evaluated: 2026-06-25. Review status: criteria provided, single submitter. Criteria: ACMG Guidelines, 2015. Collection method: clinical testing. Allele origin: germline.
Comment: The MBD4 c.99C>A variant is predicted to result in the amino acid substitution p.Asp33Glu. To our knowledge, this variant has not been reported in the literature or in a large population database (gnomAD), indicating this variant is rare. This variant is interpreted as uncertain in ClinVar (Variation ID: 2753201). At this time, the clinical significance of this variant is uncertain due to the absence of conclusive functional and genetic evidence.

Ambry Genetics
Classification: Likely benign for Inborn genetic diseases. Last evaluated: 2026-05-05. Review status: criteria provided, single submitter. Criteria: Ambry Variant Classification Scheme 2023. Collection method: clinical testing. Allele origin: germline.

Labcorp Genetics (formerly Invitae), Labcorp
Classification: Uncertain significance. Last evaluated: 2026-02-01. Review status: criteria provided, single submitter. Criteria: Invitae Variant Classification Sherloc (09022015). Collection method: clinical testing. Allele origin: germline.
Comment: This sequence change replaces aspartic acid, which is acidic and polar, with glutamic acid, which is acidic and polar, at codon 33 of the MBD4 protein (p.Asp33Glu). The frequency data for this variant in the population databases is considered unreliable, as metrics indicate poor data quality at this position in the gnomAD database. This variant has not been reported in the literature in individuals affected with MBD4-related conditions. ClinVar contains an entry for this variant (Variation ID: 2753201). An algorithm developed to predict the effect of missense changes on protein structure and function (PolyPhen-2) suggests that this variant is likely to be tolerated. In summary, the available evidence is currently insufficient to determine the role of this variant in disease. Therefore, it has been classified as a Variant of Uncertain Significance.